The following is an entry in ClinVar:

ClinVar aggregate classification (germline): Likely benign (0 of 4 stars; one submission).

Conditions:
ALG10-related disorder. Also called: ALG10-related condition.

Allele frequency attached by ClinVar (database versions not stated): gnomAD exomes 0.00372; ExAC 0.01180; gnomAD 0.03705; 1000 Genomes Project 0.03914; ESP Exome Variant Server 0.04052; TOPMed 0.04144; 1000 Genomes Project 30x 0.04185.
gnomAD v4.1: 11,295 of 1,614,116 alleles (0.7%); highest among the groups gnomAD compares: African/African-American, 13%; 682 homozygotes.

Submission:

PreventionGenetics, part of Exact Sciences
Classification: Likely benign for ALG10-related condition. Last evaluated: 2019-11-07. Review status: no assertion criteria provided. Collection method: clinical testing. Allele origin: germline.
Comment: This variant is classified as likely benign based on ACMG/AMP sequence variant interpretation guidelines (Richards et al. 2015 PMID: 25741868, with internal and published modifications).

NM_032834.4(ALG10):c.354A>G (p.Val118=)

Gene: ALG10 (ALG10 alpha-1,2-glucosyltransferase; plus strand). Cytogenetic location: 12p11.1.
Variant type: single nucleotide variant.
Coding change: c.354A>G on transcript NM_032834.4 (MANE Select); coding-DNA position 354, A replaced by G.
Protein change: p.Val118=; no amino-acid change (valine 118 retained).
Molecular consequence: synonymous variant.
Genome position (GRCh38, 1-based): chr12:34,024,144, A>G. VCF-style: chr12-34024144-A-G. GRCh37 (hg19) VCF-style: chr12-34177079-A-G.
Identifiers: ClinVar variation 3057080 (VCV003057080.2), dbSNP rs56393741, ClinGen allele CA6508868.